The following is an entry in ClinVar:

ClinVar aggregate classification (germline): Uncertain significance (1 of 4 stars; one submission).

Conditions:
FG syndrome (FGS). Identifiers: MedGen C0220769, MONDO:0002010.

Allele frequency attached by ClinVar (database versions not stated): gnomAD exomes below 0.00001.
gnomAD v4.1: 1 of 1,210,713 alleles (0.000083%); highest among the groups gnomAD compares: Non-Finnish European, 0.00011%; no homozygotes.

Submission:

Labcorp Genetics (formerly Invitae), Labcorp
Classification: Uncertain significance for FG syndrome. Last evaluated: 2023-12-11. Review status: criteria provided, single submitter. Criteria: Invitae Variant Classification Sherloc (09022015). Collection method: clinical testing. Allele origin: germline.
Comment: This sequence change replaces serine, which is neutral and polar, with cysteine, which is neutral and slightly polar, at codon 2163 of the MED12 protein (p.Ser2163Cys). This variant is not present in population databases (gnomAD no frequency). This variant has not been reported in the literature in individuals affected with MED12-related conditions. Experimental studies and prediction algorithms are not available or were not evaluated, and the functional significance of this variant is currently unknown. Algorithms developed to predict the effect of sequence changes on RNA splicing suggest that this variant may disrupt the consensus splice site. In summary, the available evidence is currently insufficient to determine the role of this variant in disease. Therefore, it has been classified as a Variant of Uncertain Significance.

NM_005120.3(MED12):c.6488C>G (p.Ser2163Cys)

Gene: MED12 (mediator complex subunit 12; plus strand). Cytogenetic location: Xq13.1.
Variant type: single nucleotide variant.
Coding change: c.6488C>G on transcript NM_005120.3 (MANE Select); coding-DNA position 6488, C replaced by G.
Protein change: p.Ser2163Cys; replaces serine 2163 with cysteine.
Molecular consequence: missense variant.
Genome position (GRCh38, 1-based): chrX:71,141,962, C>G. VCF-style: chrX-71141962-C-G. GRCh37 (hg19) VCF-style: chrX-70361812-C-G.
Other names: short protein forms S2163C.
Identifiers: ClinVar variation 2702174 (VCV002702174.3), dbSNP rs2519725132, ClinGen allele CA413544429.
Genomic context (GRCh38, chrX:71,141,962, plus strand): 5'-AGCAGACCCAGCAGCAGCAACAGACAGCAGCTTTGGTCCGGCAACTTCAACAACAGCTCT[C>G]TAGTAAGCCTGCCTGCCTTCCCAAGGAGAACCCCATGGAATAAATTTAGGGGGCGGGGTG-3'
Protein context (NP_005111.2, residues 2153-2173): ALVRQLQQQL[Ser2163Cys]NTQPQPSTNI